The following is an entry in ClinVar:

ClinVar aggregate classification (germline): Uncertain significance (1 of 4 stars; one submission).

Conditions:
Vici syndrome (VICIS). Identifiers: Orphanet 1493, MedGen C1855772, MONDO:0009452, OMIM 242840.

Submission:

Labcorp Genetics (formerly Invitae), Labcorp
Classification: Uncertain significance for Vici syndrome. Last evaluated: 2019-11-14. Review status: criteria provided, single submitter. Criteria: Invitae Variant Classification Sherloc (09022015). Collection method: clinical testing. Allele origin: germline.
Comment: This sequence change replaces lysine with glutamic acid at codon 595 of the EPG5 protein (p.Lys595Glu). The lysine residue is moderately conserved and there is a small physicochemical difference between lysine and glutamic acid. This variant is not present in population databases (ExAC no frequency). This variant has not been reported in the literature in individuals with EPG5-related conditions. Algorithms developed to predict the effect of missense changes on protein structure and function are either unavailable or do not agree on the potential impact of this missense change (SIFT: "Tolerated"; PolyPhen-2: "Probably Damaging"; Align-GVGD: "Class C0"). In summary, the available evidence is currently insufficient to determine the role of this variant in disease. Therefore, it has been classified as a Variant of Uncertain Significance.

NM_020964.3(EPG5):c.1783A>G (p.Lys595Glu)

Gene: EPG5 (ectopic P-granules 5 autophagy tethering factor; minus strand). Cytogenetic location: 18q21.1.
Variant type: single nucleotide variant.
Coding change: c.1783A>G on transcript NM_020964.3 (MANE Select); coding-DNA position 1783, A replaced by G.
Protein change: p.Lys595Glu; replaces lysine 595 with glutamic acid.
Molecular consequence: missense variant.
Genome position (GRCh38, 1-based): chr18:45,944,014, T>C on the plus strand (A>G on the coding strand, the complement: EPG5 is on the minus strand). VCF-style: chr18-45944014-T-C. GRCh37 (hg19) VCF-style: chr18-43523980-T-C.
Other names: short protein forms K595E.
Identifiers: ClinVar variation 968762 (VCV000968762.10), dbSNP rs1483709735, ClinGen allele CA402348590.
Genomic context (GRCh38, chr18:45,944,014, plus strand): 5'-GTGTTTACACTTGCCACTACCACATTTTACACTTAAGAGAAATGAGTCTACCTTTTGCTT[T>C]AAACCCAAGAAGATGCTGAAAGAGTTCATGAAAGGGGAACTGTGCTAAAATGGTAACCAA-3'
Protein context (NP_066015.2, residues 585-605): HELFQHLLGF[Lys595Glu]AKGDYLPETT